The following is an entry in ClinVar:

ClinVar aggregate classification (germline): Benign (1 of 4 stars; one submission).

Conditions:
Multiple endocrine neoplasia type 2A. Also called: Multiple Endocrine Neoplasia Type 2A (MEN2A); MULTIPLE ENDOCRINE NEOPLASIA, TYPE IIA; PTC SYNDROME; SIPPLE SYNDROME; MEN 2A; MEN-2A syndrome. Identifiers: Orphanet 247698, Orphanet 653, MedGen C0025268, MeSH D018813, MONDO:0008234, OMIM 171400.

Submission:

Myriad Genetics, Inc.
Classification: Benign for Multiple endocrine neoplasia type 2A. Last evaluated: 2025-02-25. Review status: criteria provided, single submitter. Criteria: Myriad Autosomal Dominant, Autosomal Recessive and X-Linked Classification Criteria (2023). Collection method: clinical testing. Allele origin: unknown.
Comment: This variant is considered benign. This variant is a silent/synonymous amino acid change and it is not expected to impact splicing.

NM_020975.6(RET):c.945A>G (p.Thr315=)

Gene: RET (ret proto-oncogene; plus strand). Cytogenetic location: 10q11.21.
Variant type: single nucleotide variant.
Coding change: c.945A>G on transcript NM_020975.6 (MANE Select); coding-DNA position 945, A replaced by G.
Protein change: p.Thr315=; no amino-acid change (threonine 315 retained).
Molecular consequence: synonymous variant. On other transcripts: intron variant (25).
Genome position (GRCh38, 1-based): chr10:43,106,453, A>G. VCF-style: chr10-43106453-A-G. GRCh37 (hg19) VCF-style: chr10-43601901-A-G.
Other names: c.183A>G, p.Thr61= (NM_001355216.2); c.945A>G, p.Thr315= (NM_001406743.1, NM_001406744.1, NM_001406759.1 and 4 more transcripts); c.816A>G, p.Thr272= (NM_001406761.1, NM_001406762.1, NM_001406764.1 and 1 more transcripts); c.657A>G, p.Thr219= (NM_001406766.1, NM_001406767.1, NM_001406770.1); c.867+1260A>G (NM_001406772.1, NM_001406769.1); c.626-2578A>G (NM_001406773.1, NM_001406771.1); c.625+3824A>G (NM_001406782.1, NM_001406780.1, NM_001406779.1 and 3 more transcripts); c.738+1260A>G (NM_001406774.1); and 5 more.
Identifiers: ClinVar variation 3904532 (VCV003904532.1).
Genomic context (GRCh38, chr10:43,106,453, plus strand): 5'-GCTGCGTGTCTTCGATGCAGACGTGGTACCTGCATCAGGGGAGCTGGTGAGGCGGTACAC[A>G]AGCACGCTGCTCCCCGGGGACACCTGGGCCCAGCAGACCTTCCGGGTGGAACACTGGCCC-3'
Protein context (NP_066124.1, residues 305-325): PASGELVRRY[Thr315=]STLLPGDTWA